The following is an entry in ClinVar:

ClinVar aggregate classification (germline): Conflicting classifications of pathogenicity. Review status: criteria provided, conflicting classifications (1 of 4 stars). 6 submissions from 6 submitters: Uncertain significance (2); Likely benign (3). 1 of the submissions does not count toward it. Last evaluated 2026-01-24.

Conditions:
Peroxisome biogenesis disorder 12A (Zellweger). Also called: Peroxisome biogenesis disorder 12A. Identifiers: Orphanet 912, MedGen C3554002, MONDO:0013951, OMIM 614886.
PEX19-related disorder. Also called: PEX19-related condition.

Allele frequency attached by ClinVar (database versions not stated): gnomAD 0.00062 and 0.00067; TOPMed 0.00062; ESP Exome Variant Server 0.00092; gnomAD exomes 0.00100 and 0.00106; ExAC 0.00143.

Submissions (6):

Labcorp Genetics (formerly Invitae), Labcorp
Classification: Likely benign for Peroxisome biogenesis disorder 12A (Zellweger). Last evaluated: 2026-01-24. Review status: criteria provided, single submitter. Criteria: Invitae Variant Classification Sherloc (09022015). Collection method: clinical testing. Allele origin: germline.

Mayo Clinic Laboratories, Mayo Clinic
Classification: Likely benign. Last evaluated: 2025-07-09. Review status: criteria provided, single submitter. Criteria: ACMG Guidelines, 2015. Collection method: clinical testing. Allele origin: germline. Observed: 3 variant alleles.
Comment: BS1, BP4_moderate

Blueprint Genetics
Classification: Likely benign. Last evaluated: 2024-10-28. Review status: criteria provided, single submitter. Criteria: ACMG Guidelines, 2015. Collection method: clinical testing. Allele origin: germline.

Eurofins Ntd Llc (ga)
Classification: Uncertain significance. Last evaluated: 2018-08-09. Review status: criteria provided, single submitter. Criteria: EGL ClinVar v180209 classification definitions. Collection method: clinical testing. Allele origin: germline. Observed: 4 variant alleles, 4 heterozygotes.

Illumina Laboratory Services, Illumina
Classification: Uncertain significance for Peroxisome biogenesis disorder 12A (Zellweger). Last evaluated: 2018-01-13. Review status: criteria provided, single submitter. Criteria: ICSL Variant Classification Criteria 13 December 2019. Collection method: clinical testing. Allele origin: germline.

PreventionGenetics, part of Exact Sciences
Classification: Likely benign for PEX19-related condition. Last evaluated: 2022-02-10. Review status: no assertion criteria provided. Collection method: clinical testing. Allele origin: germline. Not counted in ClinVar's aggregate classification.
Comment: This variant is classified as likely benign based on ACMG/AMP sequence variant interpretation guidelines (Richards et al. 2015 PMID: 25741868, with internal and published modifications).

NM_002857.4(PEX19):c.498T>G (p.Asp166Glu)

Gene: PEX19 (peroxisomal biogenesis factor 19; minus strand). Cytogenetic location: 1q23.2.
Variant type: single nucleotide variant.
Coding change: c.498T>G on transcript NM_002857.4 (MANE Select); coding-DNA position 498, T replaced by G.
Protein change: p.Asp166Glu; replaces aspartic acid 166 with glutamic acid.
Molecular consequence: missense variant. On other transcripts: non-coding transcript variant (2).
Genome position (GRCh38, 1-based): chr1:160,282,135, A>C on the plus strand (T>G on the coding strand, the complement: PEX19 is on the minus strand). VCF-style: chr1-160282135-A-C. GRCh37 (hg19) VCF-style: chr1-160251925-A-C.
Other names: p.Asp166Glu; c.498T>G, p.Asp166Glu (NM_001193644.1); short protein forms D166E.
Identifiers: ClinVar variation 293227 (VCV000293227.24), dbSNP rs142780305, ClinGen allele CA1197336.
Genomic context (GRCh38, chr1:160,282,135, plus strand): 5'-ATCCTTGGAGAGTAGGTTCTGCATAATACTCTGCATGATGGGGAGGATGTTCCCTTCCCC[A>C]TCCCCTTCGTCCATGCCTAGCCCCTCCATGGCCTTGGTCAGCTCTTCTTCCGACATGCTG-3'
Protein context (NP_002848.1, residues 156-176): AMEGLGMDEG[Asp166Glu]GEGNILPIMQ